The following is an entry in ClinVar:

ClinVar aggregate classification (germline): Uncertain significance (1 of 4 stars; one submission).

Submission:

GeneDx
Classification: Uncertain significance. Last evaluated: 2021-08-09. Review status: criteria provided, single submitter. Criteria: GeneDx Variant Classification Process June 2021. Collection method: clinical testing. Allele origin: germline. Affected: yes.
Comment: Not observed in large population cohorts (Lek et al., 2016); In silico analysis, which includes protein predictors and evolutionary conservation, supports a deleterious effect; In-silico analysis, which includes splice predictors and evolutionary conservation, is inconclusive as to whether the variant alters gene splicing. In the absence of RNA/functional studies, the actual effect of this sequence change is unknown. This variant is associated with the following publications: (PMID: 11175284, 30228022, 12016585)

NM_000501.4(ELN):c.1742G>A (p.Gly581Glu)

Genes: ELN (elastin; plus strand), ELN-AS1 (ELN antisense RNA 1; minus strand). Cytogenetic location: 7q11.23.
Variant type: single nucleotide variant.
Coding change: c.1742G>A on transcript NM_000501.4 (MANE Select); coding-DNA position 1742, G replaced by A.
Protein change: p.Gly581Glu; replaces glycine 581 with glutamic acid.
Molecular consequence: missense variant.
Genome position (GRCh38, 1-based): chr7:74,060,496, G>A. VCF-style: chr7-74060496-G-A. GRCh37 (hg19) VCF-style: chr7-73474826-G-A.
Other names: c.1655G>A, p.Gly552Glu (NM_001081752.3); c.1700G>A, p.Gly567Glu (NM_001081753.3); c.1757G>A, p.Gly586Glu (NM_001081754.3); c.1685G>A, p.Gly562Glu (NM_001081755.3); c.1742G>A, p.Gly581Glu (NM_001278912.2); c.1499G>A, p.Gly500Glu (NM_001278913.2); c.1670G>A, p.Gly557Glu (NM_001278914.2); c.1760G>A, p.Gly587Glu (NM_001278915.2); and 4 more; short protein forms G492E, G500E, G533E, G552E, G557E, G562E, G567E, G571E.
Identifiers: ClinVar variation 1214823 (VCV001214823.3), dbSNP rs2132324152, ClinGen allele CA367887009.
Genomic context (GRCh38, chr7:74,060,496, plus strand): 5'-GACTTGGAGTTGGTGCTGGTGTTCCTGGACTTGGAGTTGGTGCTGGTGTTCCTGGCTTCG[G>A]GGCAGGTGCAGATGAGGGAGTTAGGCGGAGCCTGTCCCCTGAGCTCAGGGAAGGAGATCC-3'
Protein context (NP_000492.2, residues 571-591): LGVGAGVPGF[Gly581Glu]AVPGALAAAK